The following is an entry in ClinVar:

ClinVar aggregate classification (germline): Uncertain significance. Review status: criteria provided, multiple submitters, no conflicts (2 of 4 stars). 2 submissions from 2 submitters: Uncertain significance (2). Last evaluated 2021-12-03.

Conditions:
Dilated cardiomyopathy 2B. Identifiers: Orphanet 154, MedGen C3553409, MONDO:0013848, OMIM 614672.

gnomAD v4.1: 2 of 1,266,712 alleles (0.00016%); highest among the groups gnomAD compares: Non-Finnish European, 0.0002%; no homozygotes.

Submissions (2):

Labcorp Genetics (formerly Invitae), Labcorp
Classification: Uncertain significance for Dilated cardiomyopathy 2B. Last evaluated: 2021-12-03. Review status: criteria provided, single submitter. Criteria: Invitae Variant Classification Sherloc (09022015). Collection method: clinical testing. Allele origin: germline.
Comment: In summary, the available evidence is currently insufficient to determine the role of this variant in disease. Therefore, it has been classified as a Variant of Uncertain Significance. Algorithms developed to predict the effect of missense changes on protein structure and function are either unavailable or do not agree on the potential impact of this missense change (SIFT: "Deleterious"; PolyPhen-2: "Benign"; Align-GVGD: "Class C0"). This variant has not been reported in the literature in individuals affected with GATAD1-related conditions. This variant is not present in population databases (gnomAD no frequency). This sequence change replaces serine, which is neutral and polar, with cysteine, which is neutral and slightly polar, at codon 55 of the GATAD1 protein (p.Ser55Cys).

Fulgent Genetics
Classification: Uncertain significance for Dilated cardiomyopathy 2B. Last evaluated: 2021-10-20. Review status: criteria provided, single submitter. Criteria: ACMG Guidelines, 2015. Collection method: clinical testing. Allele origin: unknown.

NM_021167.5(GATAD1):c.163A>T (p.Ser55Cys)

Genes: GATAD1 (GATA zinc finger domain containing 1; plus strand), LOC129998793 (ATAC-STARR-seq lymphoblastoid silent region 18371; plus strand). Cytogenetic location: 7q21.2.
Variant type: single nucleotide variant.
Coding change: c.163A>T on transcript NM_021167.5 (MANE Select); coding-DNA position 163, A replaced by T.
Protein change: p.Ser55Cys; replaces serine 55 with cysteine.
Molecular consequence: missense variant. On other transcripts: non-coding transcript variant (1).
Genome position (GRCh38, 1-based): chr7:92,447,892, A>T. VCF-style: chr7-92447892-A-T. GRCh37 (hg19) VCF-style: chr7-92077206-A-T.
Other names: short protein forms S55C.
Identifiers: ClinVar variation 1500685 (VCV001500685.7), dbSNP rs932471141, ClinGen allele CA368155374.